The following is an entry in ClinVar:

ClinVar aggregate classification (germline): Uncertain significance (1 of 4 stars; one submission).

Conditions:
Rubinstein-Taybi syndrome (RSTS). Identifiers: Orphanet 783, MedGen C0035934, MONDO:0019188.

Submission:

Labcorp Genetics (formerly Invitae), Labcorp
Classification: Uncertain significance for Rubinstein-Taybi syndrome. Last evaluated: 2023-11-12. Review status: criteria provided, single submitter. Criteria: Invitae Variant Classification Sherloc (09022015). Collection method: clinical testing. Allele origin: germline.
Comment: This sequence change replaces glutamine, which is neutral and polar, with lysine, which is basic and polar, at codon 2216 of the CREBBP protein (p.Gln2216Lys). This variant is not present in population databases (gnomAD no frequency). This variant has not been reported in the literature in individuals affected with CREBBP-related conditions. Advanced modeling of protein sequence and biophysical properties (such as structural, functional, and spatial information, amino acid conservation, physicochemical variation, residue mobility, and thermodynamic stability) performed at Invitae indicates that this missense variant is not expected to disrupt CREBBP protein function with a negative predictive value of 95%. In summary, the available evidence is currently insufficient to determine the role of this variant in disease. Therefore, it has been classified as a Variant of Uncertain Significance.

NM_004380.3(CREBBP):c.6646C>A (p.Gln2216Lys)

Gene: CREBBP (CREB binding lysine acetyltransferase; minus strand). Cytogenetic location: 16p13.3.
Variant type: single nucleotide variant.
Coding change: c.6646C>A on transcript NM_004380.3 (MANE Select); coding-DNA position 6646, C replaced by A.
Protein change: p.Gln2216Lys; replaces glutamine 2216 with lysine.
Molecular consequence: missense variant.
Genome position (GRCh38, 1-based): chr16:3,728,401, G>T on the plus strand (C>A on the coding strand, the complement: CREBBP is on the minus strand). VCF-style: chr16-3728401-G-T. GRCh37 (hg19) VCF-style: chr16-3778402-G-T.
Other names: c.6532C>A, p.Gln2178Lys (NM_001079846.1); short protein forms Q2178K, Q2216K.
Identifiers: ClinVar variation 2695294 (VCV002695294.3), dbSNP rs2151302524, ClinGen allele CA394552242.